The following continues an entry in ClinVar:

NM_001206641.3(COA6):c.213-4A>G

Gene: COA6. ClinVar aggregate classification (germline): Benign. Benign (3).

Submissions 70 to 92 of 92:

Dr. Peter K. Rogan Lab, Western University
No classification provided (evidence only). Condition: Melanoma. Review status: no classification provided. Collection method: in vitro. Allele origin: not applicable. Functional consequence: retained intron. Not counted in ClinVar's aggregate classification.

Dr. Peter K. Rogan Lab, Western University
No classification provided (evidence only). Condition: Melanoma. Review status: no classification provided. Collection method: in vitro. Allele origin: not applicable. Functional consequence: retained intron. Not counted in ClinVar's aggregate classification.

Dr. Peter K. Rogan Lab, Western University
No classification provided (evidence only). Condition: Thymoma. Review status: no classification provided. Collection method: in vitro. Allele origin: not applicable. Functional consequence: retained intron. Not counted in ClinVar's aggregate classification.

Dr. Peter K. Rogan Lab, Western University
No classification provided (evidence only). Condition: Thymoma. Review status: no classification provided. Collection method: in vitro. Allele origin: not applicable. Functional consequence: retained intron. Not counted in ClinVar's aggregate classification.

Dr. Peter K. Rogan Lab, Western University
No classification provided (evidence only). Condition: Thymoma. Review status: no classification provided. Collection method: in vitro. Allele origin: not applicable. Functional consequence: retained intron. Not counted in ClinVar's aggregate classification.

Dr. Peter K. Rogan Lab, Western University
No classification provided (evidence only). Condition: Thymoma. Review status: no classification provided. Collection method: in vitro. Allele origin: not applicable. Functional consequence: retained intron. Not counted in ClinVar's aggregate classification.

Dr. Peter K. Rogan Lab, Western University
No classification provided (evidence only). Condition: Thymoma. Review status: no classification provided. Collection method: in vitro. Allele origin: not applicable. Functional consequence: retained intron. Not counted in ClinVar's aggregate classification.

Dr. Peter K. Rogan Lab, Western University
No classification provided (evidence only). Condition: Thymoma. Review status: no classification provided. Collection method: in vitro. Allele origin: not applicable. Functional consequence: retained intron. Not counted in ClinVar's aggregate classification.

Dr. Peter K. Rogan Lab, Western University
No classification provided (evidence only). Condition: Thymoma. Review status: no classification provided. Collection method: in vitro. Allele origin: not applicable. Functional consequence: retained intron. Not counted in ClinVar's aggregate classification.

Dr. Peter K. Rogan Lab, Western University
No classification provided (evidence only). Condition: Thymoma. Review status: no classification provided. Collection method: in vitro. Allele origin: not applicable. Functional consequence: retained intron. Not counted in ClinVar's aggregate classification.

Dr. Peter K. Rogan Lab, Western University
No classification provided (evidence only). Condition: Thymoma. Review status: no classification provided. Collection method: in vitro. Allele origin: not applicable. Functional consequence: retained intron. Not counted in ClinVar's aggregate classification.

Dr. Peter K. Rogan Lab, Western University
No classification provided (evidence only). Condition: Cholangiocarcinoma. Review status: no classification provided. Collection method: in vitro. Allele origin: not applicable. Functional consequence: retained intron. Not counted in ClinVar's aggregate classification.

Dr. Peter K. Rogan Lab, Western University
No classification provided (evidence only). Condition: Cholangiocarcinoma. Review status: no classification provided. Collection method: in vitro. Allele origin: not applicable. Functional consequence: retained intron. Not counted in ClinVar's aggregate classification.

Dr. Peter K. Rogan Lab, Western University
No classification provided (evidence only). Condition: Cholangiocarcinoma. Review status: no classification provided. Collection method: in vitro. Allele origin: not applicable. Functional consequence: retained intron. Not counted in ClinVar's aggregate classification.

Dr. Peter K. Rogan Lab, Western University
No classification provided (evidence only). Condition: Adrenocortical carcinoma, hereditary. Review status: no classification provided. Collection method: in vitro. Allele origin: not applicable. Functional consequence: retained intron. Not counted in ClinVar's aggregate classification.

Dr. Peter K. Rogan Lab, Western University
No classification provided (evidence only). Condition: Adrenocortical carcinoma, hereditary. Review status: no classification provided. Collection method: in vitro. Allele origin: not applicable. Functional consequence: retained intron. Not counted in ClinVar's aggregate classification.

Dr. Peter K. Rogan Lab, Western University
No classification provided (evidence only). Condition: Adrenocortical carcinoma, hereditary. Review status: no classification provided. Collection method: in vitro. Allele origin: not applicable. Functional consequence: retained intron. Not counted in ClinVar's aggregate classification.

Dr. Peter K. Rogan Lab, Western University
No classification provided (evidence only). Condition: Uterine carcinosarcoma. Review status: no classification provided. Collection method: in vitro. Allele origin: not applicable. Functional consequence: retained intron. Not counted in ClinVar's aggregate classification.

Dr. Peter K. Rogan Lab, Western University
No classification provided (evidence only). Condition: Uterine carcinosarcoma. Review status: no classification provided. Collection method: in vitro. Allele origin: not applicable. Functional consequence: retained intron. Not counted in ClinVar's aggregate classification.

Dr. Peter K. Rogan Lab, Western University
No classification provided (evidence only). Condition: Uterine carcinosarcoma. Review status: no classification provided. Collection method: in vitro. Allele origin: not applicable. Functional consequence: retained intron. Not counted in ClinVar's aggregate classification.

Dr. Peter K. Rogan Lab, Western University
No classification provided (evidence only). Condition: Uterine carcinosarcoma. Review status: no classification provided. Collection method: in vitro. Allele origin: not applicable. Functional consequence: retained intron. Not counted in ClinVar's aggregate classification.

Dr. Peter K. Rogan Lab, Western University
No classification provided (evidence only). Condition: Uveal melanoma. Review status: no classification provided. Collection method: in vitro. Allele origin: not applicable. Functional consequence: retained intron. Not counted in ClinVar's aggregate classification.

Seelig Lab, University of Washington
No classification provided (evidence only). Review status: no classification provided. Collection method: in vitro. Allele origin: not applicable. Functional consequence: effect on translation. Not counted in ClinVar's aggregate classification.
ClinVar note: "not provided" was previously submitted as the classification for the variant. However, the classification appeared to be based only on an observation of functional data so it was converted to no classification on 2025-07-30.